The following is an entry in ClinVar:

NM_004456.5(EZH2):c.2173G>A (p.Glu725Lys)

Gene: EZH2 (enhancer of zeste 2 polycomb repressive complex 2 subunit; minus strand). Cytogenetic location: 7q36.1.
Variant type: single nucleotide variant.
Coding change: c.2173G>A on transcript NM_004456.5 (MANE Select); coding-DNA position 2173, G replaced by A.
Protein change: p.Glu725Lys; replaces glutamic acid 725 with lysine.
Molecular consequence: missense variant.
Genome position (GRCh38, 1-based): chr7:148,809,093, C>T on the plus strand (G>A on the coding strand, the complement: EZH2 is on the minus strand). VCF-style: chr7-148809093-C-T. GRCh37 (hg19) VCF-style: chr7-148506185-C-T.
Other names: c.2158G>A, p.Glu720Lys (NM_001203247.2); c.2131G>A, p.Glu711Lys (NM_001203248.2); c.2005G>A, p.Glu669Lys (NM_001203249.2); c.2041G>A, p.Glu681Lys (NM_152998.3); short protein forms E725K, E669K, E681K, E711K, E720K.
Identifiers: ClinVar variation 2143970 (VCV002143970.4), dbSNP rs747933788, ClinGen allele CA4547678.

ClinVar aggregate classification (germline): Uncertain significance (1 of 4 stars; one submission).

Conditions:
Weaver syndrome (WVS). Also called: Weaver Smith syndrome; Overgrowth syndrome with accelerated skeletal maturation, unusual facies, and camptodactyly. Identifiers: Orphanet 3447, MedGen C0265210, MONDO:0010193, OMIM 277590.

Allele frequency attached by ClinVar (database versions not stated): gnomAD exomes below 0.00001; ExAC 0.00001; gnomAD 0.00001.
gnomAD v4.1: 3 of 1,613,980 alleles (0.00019%); highest among the groups gnomAD compares: African/African-American, 0.0013%; no homozygotes.

Submission:

Labcorp Genetics (formerly Invitae), Labcorp
Classification: Uncertain significance for Weaver syndrome. Last evaluated: 2022-06-12. Review status: criteria provided, single submitter. Criteria: Invitae Variant Classification Sherloc (09022015). Collection method: clinical testing. Allele origin: germline.
Comment: Advanced modeling of protein sequence and biophysical properties (such as structural, functional, and spatial information, amino acid conservation, physicochemical variation, residue mobility, and thermodynamic stability) performed at Invitae indicates that this missense variant is expected to disrupt EZH2 protein function. In summary, the available evidence is currently insufficient to determine the role of this variant in disease. Therefore, it has been classified as a Variant of Uncertain Significance. This variant has not been reported in the literature in individuals affected with EZH2-related conditions. The frequency data for this variant in the population databases is considered unreliable, as metrics indicate poor data quality at this position in the gnomAD database. This sequence change replaces glutamic acid, which is acidic and polar, with lysine, which is basic and polar, at codon 725 of the EZH2 protein (p.Glu725Lys).